The following is an entry in ClinVar:

NM_001365951.3(KIF1B):c.1746C>G (p.Ile582Met)

Gene: KIF1B (kinesin family member 1B; plus strand). Cytogenetic location: 1p36.22.
Variant type: single nucleotide variant.
Coding change: c.1746C>G on transcript NM_001365951.3 (MANE Select); coding-DNA position 1746, C replaced by G.
Protein change: p.Ile582Met; replaces isoleucine 582 with methionine.
Molecular consequence: missense variant.
Genome position (GRCh38, 1-based): chr1:10,295,735, C>G. VCF-style: chr1-10295735-C-G. GRCh37 (hg19) VCF-style: chr1-10355793-C-G.
Other names: c.1746C>G, p.Ile582Met (NM_001365952.1); c.1608C>G, p.Ile536Met (NM_001365953.1, NM_015074.3, NM_183416.4); short protein forms I536M, I582M.
Identifiers: ClinVar variation 4858859 (VCV004858859.1).

ClinVar aggregate classification (germline): Uncertain significance (1 of 4 stars; one submission).

Submission:

Ambry Genetics
Classification: Uncertain significance. Last evaluated: 2026-06-06. Review status: criteria provided, single submitter. Criteria: Ambry Variant Classification Scheme 2023. Collection method: clinical testing. Allele origin: germline.
Comment: The p.I536M variant (also known as c.1608C>G), located in coding exon 16 of the KIF1B gene, results from a C to G substitution at nucleotide position 1608. The isoleucine at codon 536 is replaced by methionine, an amino acid with highly similar properties. This amino acid position is conserved. In addition, this alteration is predicted to be tolerated by in silico analysis. Based on the available evidence, the clinical significance of this variant remains unclear.